The following is an entry in ClinVar:

ClinVar aggregate classification (germline): Uncertain significance (1 of 4 stars; one submission).

Conditions:
Deficiency of malonyl-CoA decarboxylase. Also called: Malonic aciduria; MCD deficiency. Identifiers: Orphanet 943, MedGen C0342793, MONDO:0009556, OMIM 248360.

Submission:

Labcorp Genetics (formerly Invitae), Labcorp
Classification: Uncertain significance for Deficiency of malonyl-CoA decarboxylase. Last evaluated: 2022-06-07. Review status: criteria provided, single submitter. Criteria: Invitae Variant Classification Sherloc (09022015). Collection method: clinical testing. Allele origin: germline.
Comment: This sequence change replaces isoleucine, which is neutral and non-polar, with valine, which is neutral and non-polar, at codon 287 of the MLYCD protein (p.Ile287Val). This variant is not present in population databases (gnomAD no frequency). This variant has not been reported in the literature in individuals affected with MLYCD-related conditions. Algorithms developed to predict the effect of missense changes on protein structure and function output the following: SIFT: "Tolerated"; PolyPhen-2: "Benign"; Align-GVGD: "Class C0". The valine amino acid residue is found in multiple mammalian species, which suggests that this missense change does not adversely affect protein function. In summary, the available evidence is currently insufficient to determine the role of this variant in disease. Therefore, it has been classified as a Variant of Uncertain Significance.

NM_012213.3(MLYCD):c.859A>G (p.Ile287Val)

Genes: MLYCD (malonyl-CoA decarboxylase; plus strand), LOC126862422 (CDK7 strongly-dependent group 2 enhancer GRCh37_chr16:83945234-83946433; plus strand). Cytogenetic location: 16q23.3.
Variant type: single nucleotide variant.
Coding change: c.859A>G on transcript NM_012213.3 (MANE Select); coding-DNA position 859, A replaced by G.
Protein change: p.Ile287Val; replaces isoleucine 287 with valine.
Molecular consequence: missense variant.
Genome position (GRCh38, 1-based): chr16:83,912,278, A>G. VCF-style: chr16-83912278-A-G. GRCh37 (hg19) VCF-style: chr16-83945883-A-G.
Other names: short protein forms I287V.
Identifiers: ClinVar variation 2003132 (VCV002003132.1), dbSNP rs2507387510, ClinGen allele CA396919245.